The following is an entry in ClinVar:

NM_020937.4(FANCM):c.2366A>T (p.Asp789Val)

Gene: FANCM (FA complementation group M; plus strand). Cytogenetic location: 14q21.2.
Variant type: single nucleotide variant.
Coding change: c.2366A>T on transcript NM_020937.4 (MANE Select); coding-DNA position 2366, A replaced by T.
Protein change: p.Asp789Val; replaces aspartic acid 789 with valine.
Molecular consequence: missense variant.
Genome position (GRCh38, 1-based): chr14:45,175,120, A>T. VCF-style: chr14-45175120-A-T. GRCh37 (hg19) VCF-style: chr14-45644323-A-T.
Other names: c.2288A>T, p.Asp763Val (NM_001308133.2); short protein forms D763V, D789V.
Identifiers: ClinVar variation 3660563 (VCV003660563.2).

ClinVar aggregate classification (germline): Uncertain significance (1 of 4 stars; one submission).

Conditions:
Fanconi anemia (FA). Also called: Fanconi's anemia. Identifiers: Orphanet 84, MedGen C0015625, MeSH D005199, MONDO:0019391.

gnomAD v4.1: 1 of 1,612,380 alleles (0.000062%); highest among the groups gnomAD compares: Non-Finnish European, 0.000085%; no homozygotes.

Submission:

Labcorp Genetics (formerly Invitae), Labcorp
Classification: Uncertain significance for Fanconi anemia. Last evaluated: 2024-07-25. Review status: criteria provided, single submitter. Criteria: Invitae Variant Classification Sherloc (09022015). Collection method: clinical testing. Allele origin: germline.
Comment: This sequence change replaces aspartic acid, which is acidic and polar, with valine, which is neutral and non-polar, at codon 789 of the FANCM protein (p.Asp789Val). This variant is not present in population databases (gnomAD no frequency). This variant has not been reported in the literature in individuals affected with FANCM-related conditions. An algorithm developed to predict the effect of missense changes on protein structure and function (PolyPhen-2) suggests that this variant is likely to be disruptive. In summary, the available evidence is currently insufficient to determine the role of this variant in disease. Therefore, it has been classified as a Variant of Uncertain Significance.